The following is an entry in ClinVar:

NM_004385.5(VCAN):c.6902T>A (p.Phe2301Tyr)

Genes: VCAN (versican; plus strand), VCAN-AS1 (VCAN antisense RNA 1; minus strand). Cytogenetic location: 5q14.3.
Variant type: single nucleotide variant.
Coding change: c.6902T>A on transcript NM_004385.5 (MANE Select); coding-DNA position 6902, T replaced by A.
Protein change: p.Phe2301Tyr; replaces phenylalanine 2301 with tyrosine.
Molecular consequence: missense variant. On other transcripts: intron variant (2).
Genome position (GRCh38, 1-based): chr5:83,539,905, T>A. VCF-style: chr5-83539905-T-A. GRCh37 (hg19) VCF-style: chr5-82835724-T-A.
Other names: c.3941T>A, p.Phe1314Tyr (NM_001164097.2); c.4004-5632T>A (NM_001164098.2); c.1043-5632T>A (NM_001126336.3); short protein forms F2301Y, F1314Y.
Identifiers: ClinVar variation 198798 (VCV000198798.23), dbSNP rs160278, ClinGen allele CA203612.

ClinVar aggregate classification (germline): Benign/Likely benign. Review status: criteria provided, multiple submitters, no conflicts (2 of 4 stars). 7 submissions from 7 submitters: Benign (6); Likely benign (1). Last evaluated 2026-02-04.

Conditions:
Wagner disease. Also called: WAGNER SYNDROME 1; Wagner syndrome; WAGNER VITREORETINOPATHY; Wagner Vitreoretinal Degeneration (Wagner Synrdome); HYALOIDEORETINAL DEGENERATION OF WAGNER; WAGNER VITREORETINAL DEGENERATION. Identifiers: Orphanet 898, MedGen C1840452, MONDO:0007740, OMIM 143200.
Vitreoretinopathy. Also called: Vitreoretinal degeneration. Identifiers: MedGen C0344290, MONDO:0020248, HP:0007773.

Allele frequency attached by ClinVar (database versions not stated): 1000 Genomes Project 0.46845; 1000 Genomes Project 30x 0.47829; ESP Exome Variant Server 0.49546; TOPMed 0.49757.
gnomAD v4.1: 778,584 of 1,613,750 alleles (48%); highest among the groups gnomAD compares: Admixed American, 52%; 188,655 homozygotes.

Submissions (7):

Labcorp Genetics (formerly Invitae), Labcorp
Classification: Benign. Last evaluated: 2026-02-04. Review status: criteria provided, single submitter. Criteria: Invitae Variant Classification Sherloc (09022015). Collection method: clinical testing. Allele origin: germline.

Blueprint Genetics
Classification: Likely benign. Last evaluated: 2024-11-27. Review status: criteria provided, single submitter. Criteria: ACMG Guidelines, 2015. Collection method: clinical testing. Allele origin: germline.

Genome-Nilou Lab
Classification: Benign for Wagner disease. Last evaluated: 2021-12-05. Review status: criteria provided, single submitter. Criteria: ACMG Guidelines, 2015. Collection method: clinical testing. Allele origin: germline. Affected: no.

GeneDx
Classification: Benign. Last evaluated: 2020-09-01. Review status: criteria provided, single submitter. Criteria: GeneDx Variant Classification Process June 2021. Collection method: clinical testing. Allele origin: germline. Affected: yes.

Illumina Laboratory Services, Illumina
Classification: Benign for Vitreoretinopathy. Last evaluated: 2018-01-13. Review status: criteria provided, single submitter. Criteria: ICSL Variant Classification Criteria 13 December 2019. Collection method: clinical testing. Allele origin: germline.
Comment: This variant was observed in the ICSL laboratory as part of a predisposition screen in an ostensibly healthy population. It had not been previously curated by ICSL or reported in the Human Gene Mutation Database (HGMD: prior to June 1st, 2018), and was therefore a candidate for classification through an automated scoring system. Utilizing variant allele frequency, disease prevalence and penetrance estimates, and inheritance mode, an automated score was calculated to assess if this variant is too frequent to cause the disease. Based on the score and internal cut-off values, a variant classified as benign is not then subjected to further curation. The score for this variant resulted in a classification of benign for this disease.

Eurofins Ntd Llc (ga)
Classification: Benign. Last evaluated: 2015-01-13. Review status: criteria provided, single submitter. Criteria: EGL Classification Definitions 2015. Collection method: clinical testing. Allele origin: germline. Observed: 3 variant alleles, 3 heterozygotes.

PreventionGenetics, part of Exact Sciences
Classification: Benign. Review status: criteria provided, single submitter. Criteria: ACMG Guidelines, 2015. Collection method: clinical testing. Allele origin: germline.